The following is an entry in ClinVar:

NM_014363.6(SACS):c.10497C>T (p.Tyr3499=)

Gene: SACS (sacsin molecular chaperone; minus strand). Cytogenetic location: 13q12.12.
Variant type: single nucleotide variant.
Coding change: c.10497C>T on transcript NM_014363.6 (MANE Select); coding-DNA position 10497, C replaced by T.
Protein change: p.Tyr3499=; no amino-acid change (tyrosine 3499 retained).
Molecular consequence: synonymous variant.
Genome position (GRCh38, 1-based): chr13:23,333,379, G>A on the plus strand (C>T on the coding strand, the complement: SACS is on the minus strand). VCF-style: chr13-23333379-G-A. GRCh37 (hg19) VCF-style: chr13-23907518-G-A.
Other names: c.10497C>T (NM_014363.4); c.10056C>T, p.Tyr3352= (NM_001278055.2).
Identifiers: ClinVar variation 1093703 (VCV001093703.10), dbSNP rs755186798, ClinGen allele CA6910439.

ClinVar aggregate classification (germline): Likely benign. Review status: criteria provided, multiple submitters, no conflicts (2 of 4 stars). 2 submissions from 2 submitters: Likely benign (2). Last evaluated 2026-01-15.

Conditions:
Spastic paraplegia. Identifiers: MedGen C0037772, HP:0001258.

Allele frequency attached by ClinVar (database versions not stated): ExAC 0.00002; gnomAD exomes 0.00003; TOPMed 0.00003; gnomAD 0.00004 and 0.00005.
gnomAD v4.1: 45 of 1,602,662 alleles (0.0028%); highest among the groups gnomAD compares: Non-Finnish European, 0.0037%; no homozygotes.

Submissions (2):

Labcorp Genetics (formerly Invitae), Labcorp
Classification: Likely benign for Spastic paraplegia. Last evaluated: 2026-01-15. Review status: criteria provided, single submitter. Criteria: Invitae Variant Classification Sherloc (09022015). Collection method: clinical testing. Allele origin: germline.

Athena Diagnostics
Classification: Likely benign. Last evaluated: 2025-06-23. Review status: criteria provided, single submitter. Criteria: Athena Diagnostics Criteria. Collection method: clinical testing. Allele origin: unknown.
Comment: Computational tools yielded predictions that this variant is unlikely to have an effect on normal RNA splicing. This nucleotide position exhibits low evolutionary conservation.